The following is an entry in ClinVar:

NM_001243133.2(NLRP3):c.2206A>C (p.Ser736Arg)

Gene: NLRP3 (NLR family pyrin domain containing 3; plus strand). Cytogenetic location: 1q44.
Variant type: single nucleotide variant.
Coding change: c.2206A>C on transcript NM_001243133.2 (MANE Select); coding-DNA position 2206, A replaced by C.
Protein change: p.Ser736Arg; replaces serine 736 with arginine.
Molecular consequence: missense variant. On other transcripts: intron variant (2).
Genome position (GRCh38, 1-based): chr1:247,429,640, A>C. VCF-style: chr1-247429640-A-C. GRCh37 (hg19) VCF-style: chr1-247592942-A-C.
Other names: c.2206A>C, p.Ser736Arg (NM_001079821.3, NM_001127461.3); c.2212A>C, p.Ser738Arg (NM_004895.5); c.2150+4041A>C (NM_001127462.3, NM_183395.3); short protein forms S736R, S738R.
Identifiers: ClinVar variation 2759121 (VCV002759121.3), dbSNP rs2527319629, ClinGen allele CA345559105.

ClinVar aggregate classification (germline): Uncertain significance (1 of 4 stars; one submission).

Conditions:
Cryopyrin associated periodic syndrome (CAPS). Identifiers: Orphanet 208650, MedGen C2316212, MONDO:0016168.

Submission:

Labcorp Genetics (formerly Invitae), Labcorp
Classification: Uncertain significance for Cryopyrin associated periodic syndrome. Last evaluated: 2023-09-08. Review status: criteria provided, single submitter. Criteria: Invitae Variant Classification Sherloc (09022015). Collection method: clinical testing. Allele origin: germline.
Comment: In summary, the available evidence is currently insufficient to determine the role of this variant in disease. Therefore, it has been classified as a Variant of Uncertain Significance. Advanced modeling of protein sequence and biophysical properties (such as structural, functional, and spatial information, amino acid conservation, physicochemical variation, residue mobility, and thermodynamic stability) performed at Invitae indicates that this missense variant is not expected to disrupt NLRP3 protein function. This variant has not been reported in the literature in individuals affected with NLRP3-related conditions. This variant is not present in population databases (gnomAD no frequency). This sequence change replaces serine, which is neutral and polar, with arginine, which is basic and polar, at codon 738 of the NLRP3 protein (p.Ser738Arg).